The following is an entry in ClinVar:

NM_003970.4(MYOM2):c.2683G>A (p.Val895Met)

Gene: MYOM2 (myomesin 2; plus strand). Cytogenetic location: 8p23.3.
Variant type: single nucleotide variant.
Coding change: c.2683G>A on transcript NM_003970.4 (MANE Select); coding-DNA position 2683, G replaced by A.
Protein change: p.Val895Met; replaces valine 895 with methionine.
Molecular consequence: missense variant.
Genome position (GRCh38, 1-based): chr8:2,102,730, G>A. VCF-style: chr8-2102730-G-A. GRCh37 (hg19) VCF-style: chr8-2050520-G-A.
Other names: short protein forms V895M.
Identifiers: ClinVar variation 3038320 (VCV003038320.2), dbSNP rs192100653, ClinGen allele CA170458626.

ClinVar aggregate classification (germline): Benign (0 of 4 stars; one submission).

Conditions:
MYOM2-related disorder. Also called: MYOM2-related condition.

Allele frequency attached by ClinVar (database versions not stated): ESP Exome Variant Server 0.00031; TOPMed 0.00047; gnomAD 0.00127; 1000 Genomes Project 0.00140; 1000 Genomes Project 30x 0.00141; ExAC 0.00166.
gnomAD v4.1: 1,555 of 1,614,088 alleles (0.096%); highest among the groups gnomAD compares: Admixed American, 0.12%; 6 homozygotes.

Submission:

PreventionGenetics, part of Exact Sciences
Classification: Benign for MYOM2-related condition. Last evaluated: 2019-08-19. Review status: no assertion criteria provided. Collection method: clinical testing. Allele origin: germline.
Comment: This variant is classified as benign based on ACMG/AMP sequence variant interpretation guidelines (Richards et al. 2015 PMID: 25741868, with internal and published modifications).